The following is an entry in ClinVar:

NM_001303.4(COX10):c.1193G>A (p.Arg398His)

Gene: COX10 (cytochrome c oxidase assembly factor heme A:farnesyltransferase COX10; plus strand). Cytogenetic location: 17p12.
Variant type: single nucleotide variant.
Coding change: c.1193G>A on transcript NM_001303.4 (MANE Select); coding-DNA position 1193, G replaced by A.
Protein change: p.Arg398His; replaces arginine 398 with histidine.
Molecular consequence: missense variant.
Genome position (GRCh38, 1-based): chr17:14,207,074, G>A. VCF-style: chr17-14207074-G-A. GRCh37 (hg19) VCF-style: chr17-14110391-G-A.
Other names: p.Arg398His; c.1193G>A (NM_001303.3); short protein forms R398H.
Identifiers: ClinVar variation 235251 (VCV000235251.12), dbSNP rs200942884, ClinGen allele CA8402550.

ClinVar aggregate classification (germline): Conflicting classifications of pathogenicity. Review status: criteria provided, conflicting classifications (1 of 4 stars). 6 submissions from 6 submitters: Uncertain significance (5); Benign (1). Last evaluated 2025-10-30.

Conditions:
Mitochondrial complex IV deficiency, nuclear type 3. Also called: Mitochondrial complex 4 deficiency, nuclear type 3. Identifiers: MedGen C5436682, MONDO:0033635, OMIM 619046.
Inborn genetic diseases. Identifiers: MedGen C0950123, MeSH D030342.

Allele frequency attached by ClinVar (database versions not stated): gnomAD exomes 0.00010; gnomAD 0.00007; ExAC 0.00010; TOPMed 0.00014; ESP Exome Variant Server 0.00015.
gnomAD v4.1: 151 of 1,613,956 alleles (0.0094%); highest among the groups gnomAD compares: Middle Eastern, 0.016%; no homozygotes.

Submissions (6):

GeneDx
Classification: Uncertain significance. Last evaluated: 2025-10-30. Review status: criteria provided, single submitter. Criteria: GeneDx Variant Classification Process June 2021. Collection method: clinical testing. Allele origin: germline. Affected: yes.
Comment: Reported as heterozygous with no second variant identified in an individual with intellectual disability who had a different genetic etiology for the phenotype (PMID: 25758935); In silico analysis supports that this missense variant has a deleterious effect on protein structure/function; This variant is associated with the following publications: (PMID: 25758935)

Mayo Clinic Laboratories, Mayo Clinic
Classification: Uncertain significance. Last evaluated: 2024-05-09. Review status: criteria provided, single submitter. Criteria: ACMG Guidelines, 2015. Collection method: clinical testing. Allele origin: germline. Observed: 2 variant alleles.
Comment: PP3, PM2

Fulgent Genetics
Classification: Uncertain significance for Mitochondrial complex IV deficiency, nuclear type 3. Last evaluated: 2024-01-22. Review status: criteria provided, single submitter. Criteria: ACMG Guidelines, 2015. Collection method: clinical testing. Allele origin: germline.

Labcorp Genetics (formerly Invitae), Labcorp
Classification: Uncertain significance. Last evaluated: 2022-11-22. Review status: criteria provided, single submitter. Criteria: Invitae Variant Classification Sherloc (09022015). Collection method: clinical testing. Allele origin: germline.
Comment: This sequence change replaces arginine, which is basic and polar, with histidine, which is basic and polar, at codon 398 of the COX10 protein (p.Arg398His). In summary, the available evidence is currently insufficient to determine the role of this variant in disease. Therefore, it has been classified as a Variant of Uncertain Significance. Advanced modeling of protein sequence and biophysical properties (such as structural, functional, and spatial information, amino acid conservation, physicochemical variation, residue mobility, and thermodynamic stability) performed at Invitae indicates that this missense variant is not expected to disrupt COX10 protein function. ClinVar contains an entry for this variant (Variation ID: 235251). This variant has not been reported in the literature in individuals affected with COX10-related conditions. This variant is present in population databases (rs200942884, gnomAD 0.02%).

Ambry Genetics
Classification: Uncertain significance for Inborn genetic diseases. Last evaluated: 2022-07-29. Review status: criteria provided, single submitter. Criteria: Ambry Variant Classification Scheme 2023. Collection method: clinical testing. Allele origin: germline.

Center for Pediatric Genomic Medicine, Children's Mercy Hospital and Clinics
Classification: Benign. Last evaluated: 2015-05-26. Review status: criteria provided, single submitter. Criteria: ACMG Guidelines, 2015. Collection method: clinical testing. Allele origin: germline.